The following is an entry in ClinVar:

NM_001365088.1(SLC12A6):c.3077G>A (p.Arg1026Gln)

Gene: SLC12A6 (solute carrier family 12 member 6; minus strand). Cytogenetic location: 15q14.
Variant type: single nucleotide variant.
Coding change: c.3077G>A on transcript NM_001365088.1 (MANE Select); coding-DNA position 3077, G replaced by A.
Protein change: p.Arg1026Gln; replaces arginine 1026 with glutamine.
Molecular consequence: missense variant.
Genome position (GRCh38, 1-based): chr15:34,236,165, C>T on the plus strand (G>A on the coding strand, the complement: SLC12A6 is on the minus strand). VCF-style: chr15-34236165-C-T. GRCh37 (hg19) VCF-style: chr15-34528366-C-T.
Other names: c.2900G>A, p.Arg967Gln (NM_001042494.2, NM_001042495.2); c.3050G>A, p.Arg1017Gln (NM_001042496.2); c.3032G>A, p.Arg1011Gln (NM_001042497.2); c.2924G>A, p.Arg975Gln (NM_005135.2); c.3077G>A, p.Arg1026Gln (NM_133647.2); short protein forms R1011Q, R975Q, R967Q, R1017Q, R1026Q.
Identifiers: ClinVar variation 3670224 (VCV003670224.2).

ClinVar aggregate classification (germline): Uncertain significance (1 of 4 stars; one submission).

gnomAD v4.1: 9 of 1,613,592 alleles (0.00056%); highest among the groups gnomAD compares: South Asian, 0.0022%; no homozygotes.

Submission:

Labcorp Genetics (formerly Invitae), Labcorp
Classification: Uncertain significance. Last evaluated: 2024-04-18. Review status: criteria provided, single submitter. Criteria: Invitae Variant Classification Sherloc (09022015). Collection method: clinical testing. Allele origin: germline.
Comment: This sequence change replaces arginine, which is basic and polar, with glutamine, which is neutral and polar, at codon 1026 of the SLC12A6 protein (p.Arg1026Gln). This variant is present in population databases (no rsID available, gnomAD 0.003%). This variant has not been reported in the literature in individuals affected with SLC12A6-related conditions. Advanced modeling of protein sequence and biophysical properties (such as structural, functional, and spatial information, amino acid conservation, physicochemical variation, residue mobility, and thermodynamic stability) performed at Invitae indicates that this missense variant is not expected to disrupt SLC12A6 protein function with a negative predictive value of 95%. In summary, the available evidence is currently insufficient to determine the role of this variant in disease. Therefore, it has been classified as a Variant of Uncertain Significance.